The following is an entry in ClinVar:

ClinVar aggregate classification (germline): Uncertain significance (1 of 4 stars; one submission).

gnomAD v4.1: 1 of 1,614,044 alleles (0.000062%); highest among the groups gnomAD compares: South Asian, 0.0011%; no homozygotes.

Submission:

GeneDx
Classification: Uncertain significance. Last evaluated: 2025-05-23. Review status: criteria provided, single submitter. Criteria: GeneDx Variant Classification Process June 2021. Collection method: clinical testing. Allele origin: germline. Affected: yes.
Comment: Not observed at significant frequency in large population cohorts (gnomAD); In silico analysis suggests that this variant does not alter splicing; Has not been previously published as pathogenic or benign to our knowledge

NM_004360.5(CDH1):c.2307G>A (p.Leu769=)

Gene: CDH1 (cadherin 1; plus strand). Cytogenetic location: 16q22.1.
Variant type: single nucleotide variant.
Coding change: c.2307G>A on transcript NM_004360.5 (MANE Select); coding-DNA position 2307, G replaced by A.
Protein change: p.Leu769=; no amino-acid change (leucine 769 retained).
Molecular consequence: synonymous variant.
Genome position (GRCh38, 1-based): chr16:68,829,665, G>A. VCF-style: chr16-68829665-G-A. GRCh37 (hg19) VCF-style: chr16-68863568-G-A.
Other names: c.2124G>A, p.Leu708= (NM_001317184.2); c.759G>A, p.Leu253= (NM_001317185.2); c.342G>A, p.Leu114= (NM_001317186.2).
Identifiers: ClinVar variation 4530739 (VCV004530739.1).
Genomic context (GRCh38, chr16:68,829,665, plus strand): 5'-ACTATTTCTTTCCTACTCTTCATTGTACTTCAACCTTTTTTCTCCAAAGGACTTTGACTT[G>A]AGCCAGCTGCACAGGGGCCTGGACGCTCGGCCTGAAGTGACTCGTAACGACGTTGCACCA-3'
Protein context (NP_004351.1, residues 759-779): GGGEEDQDFD[Leu769=]SQLHRGLDAR